The following is an entry in ClinVar:

ClinVar aggregate classification (germline): Uncertain significance (1 of 4 stars; one submission).

Submission:

Labcorp Genetics (formerly Invitae), Labcorp
Classification: Uncertain significance. Last evaluated: 2022-03-01. Review status: criteria provided, single submitter. Criteria: Invitae Variant Classification Sherloc (09022015). Collection method: clinical testing. Allele origin: germline.
Comment: In summary, the available evidence is currently insufficient to determine the role of this variant in disease. Therefore, it has been classified as a Variant of Uncertain Significance. Algorithms developed to predict the effect of missense changes on protein structure and function (SIFT, PolyPhen-2, Align-GVGD) all suggest that this variant is likely to be tolerated. This variant has not been reported in the literature in individuals affected with POLE-related conditions. This variant is not present in population databases (gnomAD no frequency). This sequence change replaces aspartic acid, which is acidic and polar, with glutamic acid, which is acidic and polar, at codon 2134 of the POLE protein (p.Asp2134Glu).

NM_006231.4(POLE):c.6402T>A (p.Asp2134Glu)

Gene: POLE (DNA polymerase epsilon, catalytic subunit; minus strand). Cytogenetic location: 12q24.33.
Variant type: single nucleotide variant.
Coding change: c.6402T>A on transcript NM_006231.4 (MANE Select); coding-DNA position 6402, T replaced by A.
Protein change: p.Asp2134Glu; replaces aspartic acid 2134 with glutamic acid.
Molecular consequence: missense variant.
Genome position (GRCh38, 1-based): chr12:132,626,246, A>T on the plus strand (T>A on the coding strand, the complement: POLE is on the minus strand). VCF-style: chr12-132626246-A-T. GRCh37 (hg19) VCF-style: chr12-133202832-A-T.
Other names: short protein forms D2134E.
Identifiers: ClinVar variation 2104960 (VCV002104960.4), dbSNP rs1287840437, ClinGen allele CA387367684.